The following is an entry in ClinVar:

ClinVar aggregate classification (germline): Likely benign (1 of 4 stars; one submission).

Conditions:
Hereditary diffuse gastric adenocarcinoma (HDGC). Also called: DIFFUSE GASTRIC AND LOBULAR BREAST CANCER SYNDROME. Identifiers: Orphanet 26106, MedGen C1708349, MONDO:0007648, OMIM 137215.

Submission:

Myriad Genetics, Inc.
Classification: Likely benign for Hereditary diffuse gastric adenocarcinoma. Last evaluated: 2024-09-20. Review status: criteria provided, single submitter. Criteria: Myriad Autosomal Dominant, Autosomal Recessive and X-Linked Classification Criteria (2023). Collection method: clinical testing. Allele origin: unknown.
Comment: This variant is considered likely benign. This variant is intronic and is not expected to impact mRNA splicing.

NM_004360.5(CDH1):c.1937-15T>C

Gene: CDH1 (cadherin 1; plus strand). Cytogenetic location: 16q22.1.
Variant type: single nucleotide variant.
Coding change: c.1937-15T>C on transcript NM_004360.5 (MANE Select); 15 bases into the intron before coding-DNA position 1937, T replaced by C.
Molecular consequence: intron variant.
Genome position (GRCh38, 1-based): chr16:68,823,384, T>C. VCF-style: chr16-68823384-T-C. GRCh37 (hg19) VCF-style: chr16-68857287-T-C.
Other names: c.389-15T>C (NM_001317185.2); c.-29-15T>C (NM_001317186.2); c.1754-15T>C (NM_001317184.2).
Identifiers: ClinVar variation 3378637 (VCV003378637.1).